The following is an entry in ClinVar:

NM_000214.3(JAG1):c.387+1G>A

Gene: JAG1 (jagged canonical Notch ligand 1; minus strand). Cytogenetic location: 20p12.2.
Variant type: single nucleotide variant.
Coding change: c.387+1G>A on transcript NM_000214.3 (MANE Select); the canonical splice donor site of the intron after coding-DNA position 387, G replaced by A.
Molecular consequence: splice donor variant.
Genome position (GRCh38, 1-based): chr20:10,672,700, C>T on the plus strand (G>A on the coding strand, the complement: JAG1 is on the minus strand). VCF-style: chr20-10672700-C-T. GRCh37 (hg19) VCF-style: chr20-10653348-C-T.
Identifiers: ClinVar variation 2736954 (VCV002736954.3), dbSNP rs2514537639, ClinGen allele CA408242290.
Genomic context (GRCh38, chr20:10,672,700, plus strand): 5'-AGGGCTCGGCCAGGCGCGGGTGTGAGGCTCCGCCCGGCCTCCTTCCCGAGTAGTCACTCA[C>T]CGGCCAGGCGAAACTGAAAGGCAGCACGATGCGGTTGCGGTCGTTGCCGCGGCTGGCCTT-3'

ClinVar aggregate classification (germline): Likely pathogenic (1 of 4 stars; one submission).

Conditions:
Alagille syndrome due to a JAG1 point mutation. Also called: Alagille Syndrome 1; HEPATIC DUCTULAR HYPOPLASIA, SYNDROMATIC; JAG1-Related Alagille Syndrome. Identifiers: Orphanet 261619, Orphanet 52, MedGen C1956125, MONDO:0016862, OMIM 118450.

Submission:

Labcorp Genetics (formerly Invitae), Labcorp
Classification: Likely pathogenic for Alagille syndrome due to a JAG1 point mutation. Last evaluated: 2022-12-07. Review status: criteria provided, single submitter. Criteria: Invitae Variant Classification Sherloc (09022015). Collection method: clinical testing. Allele origin: germline.
Comment: This variant is not present in population databases (gnomAD no frequency). This sequence change affects a donor splice site in intron 2 of the JAG1 gene. It is expected to disrupt RNA splicing. Variants that disrupt the donor or acceptor splice site typically lead to a loss of protein function (PMID: 16199547), and loss-of-function variants in JAG1 are known to be pathogenic (PMID: 11180599). Disruption of this splice site has been observed in individual(s) with Alagille syndrome (PMID: 16575836). Algorithms developed to predict the effect of sequence changes on RNA splicing suggest that this variant may disrupt the consensus splice site. In summary, the currently available evidence indicates that the variant is pathogenic, but additional data are needed to prove that conclusively. Therefore, this variant has been classified as Likely Pathogenic.

Literature cited by the submitters: PubMed 16199547; PubMed 11180599; PubMed 16575836.